The following is an entry in ClinVar:

ClinVar aggregate classification (germline): Uncertain significance (1 of 4 stars; one submission).

Conditions:
Emery-Dreifuss muscular dystrophy (EDMD). Also called: Scapuloperoneal syndrome, X-linked (formerly); Humeroperoneal neuromuscular disease, (formerly). Identifiers: Orphanet 261, MedGen C0410189, MONDO:0016830.

Allele frequency attached by ClinVar (database versions not stated): gnomAD 0.00001; TOPMed 0.00002; gnomAD exomes 0.00003 and 0.00010; ExAC 0.00007.
gnomAD v4.1: 48 of 1,613,792 alleles (0.003%); highest among the groups gnomAD compares: Admixed American, 0.035%; no homozygotes.

Submission:

Labcorp Genetics (formerly Invitae), Labcorp
Classification: Uncertain significance for Emery-Dreifuss muscular dystrophy. Last evaluated: 2024-12-02. Review status: criteria provided, single submitter. Criteria: Invitae Variant Classification Sherloc (09022015). Collection method: clinical testing. Allele origin: germline.
Comment: This sequence change replaces arginine, which is basic and polar, with cysteine, which is neutral and slightly polar, at codon 121 of the SUN2 protein (p.Arg121Cys). This variant is present in population databases (rs201794535, gnomAD 0.06%), and has an allele count higher than expected for a pathogenic variant. This variant has not been reported in the literature in individuals affected with SUN2-related conditions. ClinVar contains an entry for this variant (Variation ID: 1516324). An algorithm developed to predict the effect of missense changes on protein structure and function (PolyPhen-2) suggests that this variant is likely to be tolerated. In summary, the available evidence is currently insufficient to determine the role of this variant in disease. Therefore, it has been classified as a Variant of Uncertain Significance.

NM_015374.3(SUN2):c.361C>T (p.Arg121Cys)

Gene: SUN2 (Sad1 and UNC84 domain containing 2; minus strand). Cytogenetic location: 22q13.1.
Variant type: single nucleotide variant.
Coding change: c.361C>T on transcript NM_015374.3 (MANE Select); coding-DNA position 361, C replaced by T.
Protein change: p.Arg121Cys; replaces arginine 121 with cysteine.
Molecular consequence: missense variant. On other transcripts: intron variant (4).
Genome position (GRCh38, 1-based): chr22:38,750,961, G>A on the plus strand (C>T on the coding strand, the complement: SUN2 is on the minus strand). VCF-style: chr22-38750961-G-A. GRCh37 (hg19) VCF-style: chr22-39146966-G-A.
Other names: c.361C>T, p.Arg121Cys (NM_001199579.2, NM_001199580.2, NM_001394427.1 and 11 more transcripts); c.406C>T, p.Arg136Cys (NM_001394429.1, NM_001394430.1); c.271C>T, p.Arg91Cys (NM_001394438.1); c.122+1546C>T (NM_001394443.1); c.286+249C>T (NM_001394439.1, NM_001394441.1, NM_001394440.1); short protein forms R121C, R136C, R91C.
Identifiers: ClinVar variation 1516324 (VCV001516324.6), dbSNP rs201794535, ClinGen allele CA10235974.